The following is an entry in ClinVar:

ClinVar aggregate classification (germline): Uncertain significance. Review status: criteria provided, single submitter (1 of 4 stars). 2 submissions from 2 submitters: Uncertain significance (1). 1 of the submissions does not count toward it. Last evaluated 2023-07-26.

Conditions:
Retinitis pigmentosa 59 (RP59). Identifiers: Orphanet 791, MedGen C3151227, MONDO:0013468, OMIM 613861.

Allele frequency attached by ClinVar (database versions not stated): gnomAD exomes below 0.00001; ExAC 0.00001; gnomAD 0.00001; TOPMed 0.00001; 1000 Genomes Project 30x 0.00016; 1000 Genomes Project 0.00020.

Submissions (2):

Labcorp Genetics (formerly Invitae), Labcorp
Classification: Uncertain significance for Retinitis pigmentosa 59. Last evaluated: 2023-07-26. Review status: criteria provided, single submitter. Criteria: Invitae Variant Classification Sherloc (09022015). Collection method: clinical testing. Allele origin: germline.
Comment: In summary, the available evidence is currently insufficient to determine the role of this variant in disease. Therefore, it has been classified as a Variant of Uncertain Significance. An algorithm developed to predict the effect of missense changes on protein structure and function (PolyPhen-2) suggests that this variant is likely to be tolerated. This variant has not been reported in the literature in individuals affected with DHDDS-related conditions. This variant is present in population databases (rs532852362, gnomAD 0.02%). This sequence change replaces glycine, which is neutral and non-polar, with arginine, which is basic and polar, at codon 286 of the DHDDS protein (p.Gly286Arg).

Natera, Inc.
Classification: Uncertain significance for Retinitis pigmentosa type 59. Last evaluated: 2025-03-20. Review status: no assertion criteria provided. Collection method: clinical testing. Allele origin: germline. Not counted in ClinVar's aggregate classification.

NM_205861.3(DHDDS):c.853G>A (p.Gly285Arg)

Gene: DHDDS (dehydrodolichyl diphosphate synthase subunit; plus strand). Cytogenetic location: 1p36.11.
Variant type: single nucleotide variant.
Coding change: c.853G>A on transcript NM_205861.3 (MANE Select); coding-DNA position 853, G replaced by A.
Protein change: p.Gly285Arg; replaces glycine 285 with arginine.
Molecular consequence: missense variant.
Genome position (GRCh38, 1-based): chr1:26,468,982, G>A. VCF-style: chr1-26468982-G-A. GRCh37 (hg19) VCF-style: chr1-26795473-G-A.
Other names: c.751G>A, p.Gly251Arg (NM_001243564.2); c.736G>A, p.Gly246Arg (NM_001243565.2); c.574G>A, p.Gly192Arg (NM_001319959.2); c.856G>A, p.Gly286Arg (NM_024887.4); c.856G>A (NM_024887.3); short protein forms G246R, G286R, G285R, G192R, G251R.
Identifiers: ClinVar variation 2794654 (VCV002794654.4), dbSNP rs532852362, ClinGen allele CA705474.